The following is an entry in ClinVar:

NM_005876.5(SPEG):c.9440C>T (p.Ala3147Val)

Genes: ASIC4-AS1 (ASIC4 antisense RNA 1; minus strand), SPEG (striated muscle enriched protein kinase; plus strand). Cytogenetic location: 2q35.
Variant type: single nucleotide variant.
Coding change: c.9440C>T on transcript NM_005876.5 (MANE Select); coding-DNA position 9440, C replaced by T.
Protein change: p.Ala3147Val; replaces alanine 3147 with valine.
Molecular consequence: missense variant.
Genome position (GRCh38, 1-based): chr2:219,491,848, C>T. VCF-style: chr2-219491848-C-T. GRCh37 (hg19) VCF-style: chr2-220356570-C-T.
Other names: c.9440C>T (NM_005876.4); short protein forms A3147V.
Identifiers: ClinVar variation 2084697 (VCV002084697.4), dbSNP rs753034498, ClinGen allele CA2127755.

ClinVar aggregate classification (germline): Conflicting classifications of pathogenicity. Review status: criteria provided, conflicting classifications (1 of 4 stars). 2 submissions from 2 submitters: Uncertain significance (1); Likely benign (1). Last evaluated 2025-03-17.

Conditions:
Inborn genetic diseases. Identifiers: MedGen C0950123, MeSH D030342.

Allele frequency attached by ClinVar (database versions not stated): gnomAD exomes 0.00001; gnomAD 0.00002; TOPMed 0.00003; ExAC 0.00006.
gnomAD v4.1: 24 of 1,610,742 alleles (0.0015%); highest among the groups gnomAD compares: Middle Eastern, 0.016%; 1 homozygote.

Submissions (2):

Labcorp Genetics (formerly Invitae), Labcorp
Classification: Uncertain significance. Last evaluated: 2025-03-17. Review status: criteria provided, single submitter. Criteria: Invitae Variant Classification Sherloc (09022015). Collection method: clinical testing. Allele origin: germline.
Comment: This sequence change replaces alanine, which is neutral and non-polar, with valine, which is neutral and non-polar, at codon 3147 of the SPEG protein (p.Ala3147Val). This variant is present in population databases (rs753034498, gnomAD 0.02%), including at least one homozygous and/or hemizygous individual. This variant has not been reported in the literature in individuals affected with SPEG-related conditions. ClinVar contains an entry for this variant (Variation ID: 2084697). An algorithm developed to predict the effect of missense changes on protein structure and function outputs the following: PolyPhen-2: "Benign". The valine amino acid residue is found in multiple mammalian species, which suggests that this missense change does not adversely affect protein function. In summary, the available evidence is currently insufficient to determine the role of this variant in disease. Therefore, it has been classified as a Variant of Uncertain Significance.

Ambry Genetics
Classification: Likely benign for Inborn genetic diseases. Last evaluated: 2025-01-04. Review status: criteria provided, single submitter. Criteria: Ambry Variant Classification Scheme 2023. Collection method: clinical testing. Allele origin: germline.